The following is an entry in ClinVar:

NM_000218.3(KCNQ1):c.684-2A>C

Gene: KCNQ1 (potassium voltage-gated channel subfamily Q member 1; plus strand). Cytogenetic location: 11p15.5.
Variant type: single nucleotide variant.
Coding change: c.684-2A>C on transcript NM_000218.3 (MANE Select); the canonical splice acceptor site of the intron before coding-DNA position 684, A replaced by C.
Molecular consequence: splice acceptor variant. On other transcripts: intron variant (1).
Genome position (GRCh38, 1-based): chr11:2,572,011, A>C. VCF-style: chr11-2572011-A-C. GRCh37 (hg19) VCF-style: chr11-2593241-A-C.
Other names: c.414-2A>C (NM_001406837.1); c.684-2A>C (NM_001406836.1); c.478-11424A>C (NM_001406838.1); c.303-2A>C (NM_181798.2).
Identifiers: ClinVar variation 573008 (VCV000573008.8), dbSNP rs1564820729, ClinGen allele CA379130891.

ClinVar aggregate classification (germline): Likely pathogenic (1 of 4 stars; one submission).

Conditions:
Long QT syndrome (LQTS). Identifiers: MedGen C0023976, MeSH D008133, MONDO:0002442. Disease mechanism: loss of function. Inheritance: Various modes of inheritance.

Allele frequency attached by ClinVar (database versions not stated): gnomAD exomes below 0.00001.
gnomAD v4.1: 1 of 1,611,538 alleles (0.000062%); highest among the groups gnomAD compares: Non-Finnish European, 0.000085%; no homozygotes.

Submission:

Labcorp Genetics (formerly Invitae), Labcorp
Classification: Likely pathogenic for Long QT syndrome. Last evaluated: 2018-03-29. Review status: criteria provided, single submitter. Criteria: Invitae Variant Classification Sherloc (09022015). Collection method: clinical testing. Allele origin: germline.
Comment: This variant is not present in population databases (ExAC no frequency). In summary, the currently available evidence indicates that the variant is pathogenic, but additional data are needed to prove that conclusively. Therefore, this variant has been classified as Likely Pathogenic. Donor and acceptor splice site variants typically lead to a loss of protein function (PMID: 16199547), and loss-of-function variants in KCNQ1 are known to be pathogenic (PMID: 9323054, 19862833). Algorithms developed to predict the effect of sequence changes on RNA splicing suggest that this variant may disrupt the consensus splice site, but this prediction has not been confirmed by published transcriptional studies. This variant has not been reported in the literature in individuals with KCNQ1-related disease. This sequence change affects an acceptor splice site in intron 4 of the KCNQ1 gene. It is expected to disrupt RNA splicing and likely results in an absent or disrupted protein product.

Literature cited by the submitters: PubMed 16199547; PubMed 9323054; PubMed 19862833.